The following is an entry in ClinVar:

ClinVar aggregate classification (germline): Uncertain significance. Review status: criteria provided, multiple submitters, no conflicts (2 of 4 stars). 2 submissions from 2 submitters: Uncertain significance (2). Last evaluated 2025-11-25.

Conditions:
Hereditary cancer-predisposing syndrome. Also called: Tumor predisposition; Hereditary neoplastic syndrome; Neoplastic Syndromes, Hereditary; Hereditary Cancer Syndrome. Identifiers: Orphanet 140162, MedGen C0027672, MeSH D009386, MONDO:0015356.

Submissions (2):

Labcorp Genetics (formerly Invitae), Labcorp
Classification: Uncertain significance. Last evaluated: 2025-11-25. Review status: criteria provided, single submitter. Criteria: Invitae Variant Classification Sherloc (09022015). Collection method: clinical testing. Allele origin: germline.
Comment: This sequence change replaces lysine, which is basic and polar, with glutamic acid, which is acidic and polar, at codon 270 of the HOXB13 protein (p.Lys270Glu). This variant is not present in population databases (gnomAD no frequency). This variant has not been reported in the literature in individuals affected with HOXB13-related conditions. ClinVar contains an entry for this variant (Variation ID: 959177). Invitae Evidence Modeling of protein sequence and biophysical properties (such as structural, functional, and spatial information, amino acid conservation, physicochemical variation, residue mobility, and thermodynamic stability) indicates that this missense variant is expected to disrupt HOXB13 protein function with a positive predictive value of 80%. In summary, the available evidence is currently insufficient to determine the role of this variant in disease. Therefore, it has been classified as a Variant of Uncertain Significance.

Ambry Genetics
Classification: Uncertain significance for Hereditary cancer-predisposing syndrome. Last evaluated: 2025-06-08. Review status: criteria provided, single submitter. Criteria: Ambry Variant Classification Scheme 2023. Collection method: clinical testing. Allele origin: germline.
Comment: The p.K270E variant (also known as c.808A>G), located in coding exon 2 of the HOXB13 gene, results from an A to G substitution at nucleotide position 808. The lysine at codon 270 is replaced by glutamic acid, an amino acid with similar properties. This amino acid position is highly conserved in available vertebrate species. In addition, this alteration is predicted to be deleterious by in silico analysis. Since supporting evidence is limited at this time, the clinical significance of this alteration remains unclear.

NM_006361.6(HOXB13):c.808A>G (p.Lys270Glu)

Gene: HOXB13 (homeobox B13; minus strand). Cytogenetic location: 17q21.32.
Variant type: single nucleotide variant.
Coding change: c.808A>G on transcript NM_006361.6 (MANE Select); coding-DNA position 808, A replaced by G.
Protein change: p.Lys270Glu; replaces lysine 270 with glutamic acid.
Molecular consequence: missense variant.
Genome position (GRCh38, 1-based): chr17:48,726,837, T>C on the plus strand (A>G on the coding strand, the complement: HOXB13 is on the minus strand). VCF-style: chr17-48726837-T-C. GRCh37 (hg19) VCF-style: chr17-46804199-T-C.
Other names: short protein forms K270E.
Identifiers: ClinVar variation 959177 (VCV000959177.13), dbSNP rs2038215417, ClinGen allele CA400105517.